The following is an entry in ClinVar:

NM_001042432.2(CLN3):c.46+1G>A

Gene: CLN3 (CLN3 lysosomal/endosomal transmembrane protein, battenin; minus strand). Cytogenetic location: 16p12.1.
Variant type: single nucleotide variant.
Coding change: c.46+1G>A on transcript NM_001042432.2 (MANE Select); the canonical splice donor site of the intron after coding-DNA position 46, G replaced by A.
Molecular consequence: splice donor variant.
Genome position (GRCh38, 1-based): chr16:28,491,713, C>T on the plus strand (G>A on the coding strand, the complement: CLN3 is on the minus strand). VCF-style: chr16-28491713-C-T. GRCh37 (hg19) VCF-style: chr16-28503034-C-T.
Other names: c.-38+1G>A (NM_001286109.2, NM_001286110.2); c.46+1G>A (NM_001286104.2, NM_000086.2); c.-96+1G>A (NM_001286105.2).
Identifiers: ClinVar variation 370243 (VCV000370243.14), dbSNP rs1057516343, ClinGen allele CA16041791.
Genomic context (GRCh38, chr16:28,491,713, plus strand): 5'-CCCCTCAGGTGGGCTGCGAGCCAGAGGTGGTCGTTCCATGAGGGTGGGCGGGAATACTCA[C>T]CCTCGGAATCCGAAAAGCGCCGCCGCGAGCCTGCACAGCCTCCCATCGCATCAAGTTCAG-3'

ClinVar aggregate classification (germline): Likely pathogenic. Review status: criteria provided, multiple submitters, no conflicts (2 of 4 stars). 4 submissions from 4 submitters: Likely pathogenic (3). 1 of the submissions does not count toward it. Last evaluated 2025-12-08.

Conditions:
Juvenile neuronal ceroid lipofuscinosis. Also called: Batten Disease. Identifiers: Orphanet 79264, MedGen CN293564, MONDO:0019262.
Neuronal ceroid lipofuscinosis 3 (CLN3). Identifiers: Orphanet 228346, MedGen C0751383, MONDO:0008767, OMIM 204200.
Neuronal ceroid lipofuscinosis. Also called: Neuronal Ceroid Lipofuscinoses. Identifiers: Orphanet 216, Orphanet 79263, MedGen C0027877, MONDO:0016295. Disease mechanism: loss of function.

gnomAD v4.1: 2 of 1,614,094 alleles (0.00012%); highest among the groups gnomAD compares: Non-Finnish European, 0.00017%; no homozygotes.

Submissions (4):

Natera, Inc.
Classification: Likely pathogenic for Batten Disease. Last evaluated: 2025-12-08. Review status: criteria provided, single submitter. Criteria: Natera Variant Classification Schema (03/2026). Collection method: clinical testing. Allele origin: germline.
Comment: The c.46+1G>A variant in CLN3 is a canonical splice donor site variant predicted to affect pre-mRNA splicing, which may result in an abnormal transcript and altered protein product. This variant is expected to result in nonsense mediated decay, truncation, or a dysfunctional protein product. This variant is rare in the general population with a frequency below the threshold expected for the associated phenotype(s). Given the available evidence, this variant is classified as Likely Pathogenic.

Labcorp Genetics (formerly Invitae), Labcorp
Classification: Likely pathogenic for Neuronal ceroid lipofuscinosis. Last evaluated: 2023-12-01. Review status: criteria provided, single submitter. Criteria: Invitae Variant Classification Sherloc (09022015). Collection method: clinical testing. Allele origin: germline.
Comment: This sequence change affects a donor splice site in intron 2 of the CLN3 gene. It is expected to disrupt RNA splicing. Variants that disrupt the donor or acceptor splice site typically lead to a loss of protein function (PMID: 16199547), and loss-of-function variants in CLN3 are known to be pathogenic (PMID: 9311735, 28542676). This variant is not present in population databases (gnomAD no frequency). This variant has not been reported in the literature in individuals affected with CLN3-related conditions. ClinVar contains an entry for this variant (Variation ID: 370243). Algorithms developed to predict the effect of sequence changes on RNA splicing suggest that this variant may disrupt the consensus splice site. In summary, the currently available evidence indicates that the variant is pathogenic, but additional data are needed to prove that conclusively. Therefore, this variant has been classified as Likely Pathogenic.

Baylor Genetics
Classification: Likely pathogenic for Neuronal ceroid lipofuscinosis 3. Last evaluated: 2023-05-27. Review status: criteria provided, single submitter. Criteria: ACMG Guidelines, 2015. Collection method: clinical testing. Allele origin: unknown.

Counsyl
Classification: Likely pathogenic for Neuronal ceroid lipofuscinosis 3. Last evaluated: 2015-12-23. Review status: no assertion criteria provided. Collection method: clinical testing. Allele origin: unknown. Not counted in ClinVar's aggregate classification.

Literature cited by the submitters: PubMed 16199547 (cited by Labcorp Genetics (formerly Invitae), Labcorp); PubMed 9311735 (cited by Labcorp Genetics (formerly Invitae), Labcorp); PubMed 28542676 (cited by Labcorp Genetics (formerly Invitae), Labcorp).